The following is an entry in ClinVar:

NM_015662.3(IFT172):c.2695G>A (p.Ala899Thr)

Genes: IFT172 (intraflagellar transport 172; minus strand), LOC126806174 (CDK7 strongly-dependent group 2 enhancer GRCh37_chr2:27681686-27682885; plus strand). Cytogenetic location: 2p23.3.
Variant type: single nucleotide variant.
Coding change: c.2695G>A on transcript NM_015662.3 (MANE Select); coding-DNA position 2695, G replaced by A.
Protein change: p.Ala899Thr; replaces alanine 899 with threonine.
Molecular consequence: missense variant.
Genome position (GRCh38, 1-based): chr2:27,459,470, C>T on the plus strand (G>A on the coding strand, the complement: IFT172 is on the minus strand). VCF-style: chr2-27459470-C-T. GRCh37 (hg19) VCF-style: chr2-27682337-C-T.
Other names: short protein forms A899T.
Identifiers: ClinVar variation 1062309 (VCV001062309.8), dbSNP rs776148073, ClinGen allele CA1580211.

ClinVar aggregate classification (germline): Uncertain significance. Review status: criteria provided, multiple submitters, no conflicts (2 of 4 stars). 2 submissions from 2 submitters: Uncertain significance (2). Last evaluated 2022-07-19.

Conditions:
Short-rib thoracic dysplasia 10 with or without polydactyly (SRTD10). Identifiers: Orphanet 474, MedGen C3810175, MONDO:0014284, OMIM 615630.
Bardet-Biedl syndrome 20. Identifiers: MedGen C4310707, MONDO:0023670, OMIM 619471, MONDO:0014926.
Retinitis pigmentosa 71 (RP71). Identifiers: Orphanet 791, MedGen C4225342, MONDO:0014618, OMIM 616394.

Allele frequency attached by ClinVar (database versions not stated): TOPMed below 0.00001; gnomAD 0.00001; gnomAD exomes 0.00001; ExAC 0.00002.
gnomAD v4.1: 23 of 1,614,066 alleles (0.0014%); highest among the groups gnomAD compares: Non-Finnish European, 0.0019%; no homozygotes.

Submissions (2):

Labcorp Genetics (formerly Invitae), Labcorp
Classification: Uncertain significance for Retinitis pigmentosa 71; Short-rib thoracic dysplasia 10 with or without polydactyly. Last evaluated: 2022-07-19. Review status: criteria provided, single submitter. Criteria: Invitae Variant Classification Sherloc (09022015). Collection method: clinical testing. Allele origin: germline.
Comment: In summary, the available evidence is currently insufficient to determine the role of this variant in disease. Therefore, it has been classified as a Variant of Uncertain Significance. Algorithms developed to predict the effect of missense changes on protein structure and function are either unavailable or do not agree on the potential impact of this missense change (SIFT: "Deleterious"; PolyPhen-2: "Probably Damaging"; Align-GVGD: "Class C0"). ClinVar contains an entry for this variant (Variation ID: 1062309). This variant has not been reported in the literature in individuals affected with IFT172-related conditions. This variant is present in population databases (rs776148073, gnomAD 0.003%). This sequence change replaces alanine, which is neutral and non-polar, with threonine, which is neutral and polar, at codon 899 of the IFT172 protein (p.Ala899Thr).

Fulgent Genetics
Classification: Uncertain significance for Short-rib thoracic dysplasia 10 with or without polydactyly; Retinitis pigmentosa 71; Bardet-Biedl syndrome 20. Last evaluated: 2021-07-20. Review status: criteria provided, single submitter. Criteria: ACMG Guidelines, 2015. Collection method: clinical testing. Allele origin: unknown.